The following is an entry in ClinVar:

NM_012154.5(AGO2):c.821A>G (p.Gln274Arg)

Gene: AGO2 (argonaute RISC catalytic component 2; minus strand). Cytogenetic location: 8q24.3.
Variant type: single nucleotide variant.
Coding change: c.821A>G on transcript NM_012154.5 (MANE Select); coding-DNA position 821, A replaced by G.
Protein change: p.Gln274Arg; replaces glutamine 274 with arginine.
Molecular consequence: missense variant.
Genome position (GRCh38, 1-based): chr8:140,558,542, T>C on the plus strand (A>G on the coding strand, the complement: AGO2 is on the minus strand). VCF-style: chr8-140558542-T-C. GRCh37 (hg19) VCF-style: chr8-141568641-T-C.
Other names: c.821A>G, p.Gln274Arg (NM_001164623.3); short protein forms Q274R.
Identifiers: ClinVar variation 1804396 (VCV001804396.1), dbSNP rs2549625583, ClinGen allele CA372322888.

ClinVar aggregate classification (germline): Uncertain significance (1 of 4 stars; one submission).

Submission:

GeneDx
Classification: Uncertain significance. Last evaluated: 2022-06-15. Review status: criteria provided, single submitter. Criteria: GeneDx Variant Classification Process June 2021. Collection method: clinical testing. Allele origin: germline. Affected: yes.
Comment: Not observed at significant frequency in large population cohorts (gnomAD); In silico analysis supports that this missense variant does not alter protein structure/function; Has not been previously published as pathogenic or benign to our knowledge